The following is an entry in ClinVar:

NM_001330360.2(POLA1):c.3340A>G (p.Ile1114Val)

Gene: POLA1 (DNA polymerase alpha 1, catalytic subunit; plus strand). Cytogenetic location: Xp22.11.
Variant type: single nucleotide variant.
Coding change: c.3340A>G on transcript NM_001330360.2 (MANE Select); coding-DNA position 3340, A replaced by G.
Protein change: p.Ile1114Val; replaces isoleucine 1114 with valine.
Molecular consequence: missense variant. On other transcripts: non-coding transcript variant (2).
Genome position (GRCh38, 1-based): chrX:24,815,022, A>G. VCF-style: chrX-24815022-A-G. GRCh37 (hg19) VCF-style: chrX-24833139-A-G.
Other names: c.3265A>G, p.Ile1089Val (NM_001378303.1); c.3322A>G, p.Ile1108Val (NM_016937.4); short protein forms I1089V, I1108V, I1114V.
Identifiers: ClinVar variation 3673303 (VCV003673303.2).

ClinVar aggregate classification (germline): Uncertain significance (1 of 4 stars; one submission).

gnomAD v4.1: 4 of 1,187,148 alleles (0.00034%); highest among the groups gnomAD compares: South Asian, 0.0036%; no homozygotes.

Submission:

Labcorp Genetics (formerly Invitae), Labcorp
Classification: Uncertain significance. Last evaluated: 2025-10-02. Review status: criteria provided, single submitter. Criteria: Invitae Variant Classification Sherloc (09022015). Collection method: clinical testing. Allele origin: germline.
Comment: This sequence change replaces isoleucine, which is neutral and non-polar, with valine, which is neutral and non-polar, at codon 1108 of the POLA1 protein (p.Ile1108Val). This variant is present in population databases (rs754611241, gnomAD 0.01%). This variant has not been reported in the literature in individuals affected with POLA1-related conditions. ClinVar contains an entry for this variant (Variation ID: 3673303). Invitae Evidence Modeling of protein sequence and biophysical properties (such as structural, functional, and spatial information, amino acid conservation, physicochemical variation, residue mobility, and thermodynamic stability) indicates that this missense variant is not expected to disrupt POLA1 protein function with a negative predictive value of 80%. In summary, the available evidence is currently insufficient to determine the role of this variant in disease. Therefore, it has been classified as a Variant of Uncertain Significance.